The following is an entry in ClinVar:

ClinVar aggregate classification (germline): Conflicting classifications of pathogenicity. Review status: criteria provided, conflicting classifications (1 of 4 stars). 2 submissions from 2 submitters: Uncertain significance (1); Likely benign (1). Last evaluated 2025-02-26.

Conditions:
Hereditary cancer-predisposing syndrome. Also called: Tumor predisposition; Hereditary neoplastic syndrome; Neoplastic Syndromes, Hereditary; Hereditary Cancer Syndrome. Identifiers: Orphanet 140162, MedGen C0027672, MeSH D009386, MONDO:0015356.

Allele frequency attached by ClinVar (database versions not stated): gnomAD exomes below 0.00001.
gnomAD v4.1: 3 of 1,614,112 alleles (0.00019%); highest among the groups gnomAD compares: Non-Finnish European, 0.00025%; no homozygotes.

Submissions (2):

Labcorp Genetics (formerly Invitae), Labcorp
Classification: Uncertain significance. Last evaluated: 2025-02-26. Review status: criteria provided, single submitter. Criteria: Invitae Variant Classification Sherloc (09022015). Collection method: clinical testing. Allele origin: germline.
Comment: This sequence change replaces threonine, which is neutral and polar, with alanine, which is neutral and non-polar, at codon 81 of the MSH3 protein (p.Thr81Ala). This variant is not present in population databases (gnomAD no frequency). This variant has not been reported in the literature in individuals affected with MSH3-related conditions. ClinVar contains an entry for this variant (Variation ID: 857309). An algorithm developed to predict the effect of missense changes on protein structure and function outputs the following: PolyPhen-2: "Benign". The alanine amino acid residue is found in multiple mammalian species, which suggests that this missense change does not adversely affect protein function. In summary, the available evidence is currently insufficient to determine the role of this variant in disease. Therefore, it has been classified as a Variant of Uncertain Significance.

Ambry Genetics
Classification: Likely benign for Hereditary cancer-predisposing syndrome. Last evaluated: 2020-12-17. Review status: criteria provided, single submitter. Criteria: Ambry Variant Classification Scheme 2023. Collection method: clinical testing. Allele origin: germline.

NM_002439.5(MSH3):c.241A>G (p.Thr81Ala)

Gene: MSH3 (mutS homolog 3; plus strand). Cytogenetic location: 5q14.1.
Variant type: single nucleotide variant.
Coding change: c.241A>G on transcript NM_002439.5 (MANE Select); coding-DNA position 241, A replaced by G.
Protein change: p.Thr81Ala; replaces threonine 81 with alanine.
Molecular consequence: missense variant.
Genome position (GRCh38, 1-based): chr5:80,656,414, A>G. VCF-style: chr5-80656414-A-G. GRCh37 (hg19) VCF-style: chr5-79952233-A-G.
Other names: short protein forms T81A.
Identifiers: ClinVar variation 857309 (VCV000857309.12), dbSNP rs1749285992, ClinGen allele CA360266096.
Genomic context (GRCh38, chr5:80,656,414, plus strand): 5'-ACGTCAGGCCTTCTCAGAGTAGAGATAACACATCATTTTCTAACCTTCCCGATATAGGCT[A>G]CAGAAATTGACAGAAGAAAGAAGAGACCATTGGAAAATGATGGGCCTGTTAAAAAGAAAG-3'
Protein context (NP_002430.3, residues 71-91): FPPQLPPHIA[Thr81Ala]EIDRRKKRPL